The following is an entry in ClinVar:

ClinVar aggregate classification (germline): Uncertain significance. Review status: criteria provided, single submitter (1 of 4 stars). 2 submissions from 2 submitters: Uncertain significance (1). 1 of the submissions does not count toward it. Last evaluated 2025-03-27.

Conditions:
Inborn genetic diseases. Identifiers: MedGen C0950123, MeSH D030342.
MED13L-related disorder. Also called: MED13L-related condition.

gnomAD v4.1: 2 of 1,613,916 alleles (0.00012%); highest among the groups gnomAD compares: Admixed American, 0.0017%; no homozygotes.

Submissions (2):

Ambry Genetics
Classification: Uncertain significance for Inborn genetic diseases. Last evaluated: 2025-03-27. Review status: criteria provided, single submitter. Criteria: Ambry Variant Classification Scheme 2023. Collection method: clinical testing. Allele origin: germline.

PreventionGenetics, part of Exact Sciences
Classification: Uncertain significance for MED13L-related condition. Last evaluated: 2024-02-08. Review status: no assertion criteria provided. Collection method: clinical testing. Allele origin: germline. Not counted in ClinVar's aggregate classification.
Comment: The MED13L c.5393C>T variant is predicted to result in the amino acid substitution p.Pro1798Leu. To our knowledge, this variant has not been reported in the literature. This variant is reported in 0.0029% of alleles in individuals of Latino descent in gnomAD. At this time, the clinical significance of this variant is uncertain due to the absence of conclusive functional and genetic evidence.

NM_015335.5(MED13L):c.5393C>T (p.Pro1798Leu)

Gene: MED13L (mediator complex subunit 13L; minus strand). Cytogenetic location: 12q24.21.
Variant type: single nucleotide variant.
Coding change: c.5393C>T on transcript NM_015335.5 (MANE Select); coding-DNA position 5393, C replaced by T.
Protein change: p.Pro1798Leu; replaces proline 1798 with leucine.
Molecular consequence: missense variant.
Genome position (GRCh38, 1-based): chr12:115,975,710, G>A on the plus strand (C>T on the coding strand, the complement: MED13L is on the minus strand). VCF-style: chr12-115975710-G-A. GRCh37 (hg19) VCF-style: chr12-116413515-G-A.
Other names: short protein forms P1798L.
Identifiers: ClinVar variation 3061361 (VCV003061361.3), dbSNP rs1225690527, ClinGen allele CA386879569.
Genomic context (GRCh38, chr12:115,975,710, plus strand): 5'-TCACCAAACGTCTCTCCCAGCTCTGTCTGCTTGTCTTTGATTGGGGCCAATATAAAGGGA[G>A]GGGAGTAAAGCTGGATTGGGCTGGGCCGCTGAAATCAAAACCAAAATCAATATCAGTACA-3'
Protein context (NP_056150.1, residues 1788-1808): ERPSPIQLYS[Pro1798Leu]PFILAPIKDK